The following is an entry in ClinVar:

NM_001122764.3(PPOX):c.1243C>T (p.His415Tyr)

Gene: PPOX (protoporphyrinogen oxidase; plus strand). Cytogenetic location: 1q23.3.
Variant type: single nucleotide variant.
Coding change: c.1243C>T on transcript NM_001122764.3 (MANE Select); coding-DNA position 1243, C replaced by T.
Protein change: p.His415Tyr; replaces histidine 415 with tyrosine.
Molecular consequence: missense variant.
Genome position (GRCh38, 1-based): chr1:161,170,764, C>T. VCF-style: chr1-161170764-C-T. GRCh37 (hg19) VCF-style: chr1-161140554-C-T.
Other names: c.1243C>T, p.His415Tyr (NM_000309.5, NM_001365398.1); c.1144C>T, p.His382Tyr (NM_001350128.2); c.835C>T, p.His279Tyr (NM_001350129.2, NM_001365400.1); c.757C>T, p.His253Tyr (NM_001350130.2, NM_001350131.2, NM_001365401.1); c.1132C>T, p.His378Tyr (NM_001365399.1); short protein forms H253Y, H279Y, H382Y, H378Y, H415Y.
Identifiers: ClinVar variation 2978229 (VCV002978229.3), dbSNP rs1301778268, ClinGen allele CA343358523.
Genomic context (GRCh38, chr1:161,170,764, plus strand): 5'-GAAGCAGCTGCTACACAATTAGGACTGAAGGAGATGCCGAGCCACTGCTTGGTCCATCTA[C>T]ACAAGGTAAGTTGGGATAAACTTCCCTCAGCTCTCCACTGAAGGCCTTGAAGACAGAGAC-3'
Protein context (NP_001116236.1, residues 405-425): EMPSHCLVHL[His415Tyr]KNCIPQYTLG

ClinVar aggregate classification (germline): Uncertain significance (1 of 4 stars; one submission).

Allele frequency attached by ClinVar (database versions not stated): gnomAD exomes below 0.00001; TOPMed below 0.00001.

Submission:

Labcorp Genetics (formerly Invitae), Labcorp
Classification: Uncertain significance. Last evaluated: 2023-09-30. Review status: criteria provided, single submitter. Criteria: Invitae Variant Classification Sherloc (09022015). Collection method: clinical testing. Allele origin: germline.
Comment: This sequence change replaces histidine, which is basic and polar, with tyrosine, which is neutral and polar, at codon 415 of the PPOX protein (p.His415Tyr). This variant is present in population databases (no rsID available, gnomAD no frequency). This variant has not been reported in the literature in individuals affected with PPOX-related conditions. Advanced modeling of protein sequence and biophysical properties (such as structural, functional, and spatial information, amino acid conservation, physicochemical variation, residue mobility, and thermodynamic stability) performed at Invitae indicates that this missense variant is not expected to disrupt PPOX protein function. In summary, the available evidence is currently insufficient to determine the role of this variant in disease. Therefore, it has been classified as a Variant of Uncertain Significance.